The following is an entry in ClinVar:

NM_000059.4(BRCA2):c.908C>G (p.Ser303Cys)

Gene: BRCA2 (BRCA2 DNA repair associated; plus strand). Cytogenetic location: 13q13.1.
Variant type: single nucleotide variant.
Coding change: c.908C>G on transcript NM_000059.4 (MANE Select); coding-DNA position 908, C replaced by G.
Protein change: p.Ser303Cys; replaces serine 303 with cysteine.
Molecular consequence: missense variant. On other transcripts: non-coding transcript variant (1), intron variant (1).
Genome position (GRCh38, 1-based): chr13:32,332,386, C>G. VCF-style: chr13-32332386-C-G. GRCh37 (hg19) VCF-style: chr13-32906523-C-G.
Other names: c.908C>G, p.Ser303Cys (NM_001406719.1, NM_001406720.1, NM_001406721.1); c.424+1356C>G (NM_001406722.1); short protein forms S303C.
Identifiers: ClinVar variation 2692718 (VCV002692718.4), dbSNP rs867323565, ClinGen allele CA387760693.

ClinVar aggregate classification (germline): Uncertain significance. Review status: criteria provided, multiple submitters, no conflicts (2 of 4 stars). 2 submissions from 2 submitters: Uncertain significance (2). Last evaluated 2026-05-15.

Conditions:
Hereditary breast ovarian cancer syndrome. Also called: BRCA1- and BRCA2-Associated Hereditary Breast and Ovarian Cancer; Hereditary breast and ovarian cancer syndrome; Breast and ovarian cancer; Hereditary breast and/or ovarian cancer syndrome; Hereditary breast and ovarian cancer syndrome (HBOC); Hereditary breast and ovarian cancer. Identifiers: Orphanet 145, MedGen C0677776, MeSH D061325, MONDO:0003582. Disease mechanism: loss of function.
Hereditary cancer-predisposing syndrome. Also called: Tumor predisposition; Hereditary neoplastic syndrome; Neoplastic Syndromes, Hereditary; Hereditary Cancer Syndrome. Identifiers: Orphanet 140162, MedGen C0027672, MeSH D009386, MONDO:0015356.

Submissions (2):

Ambry Genetics
Classification: Uncertain significance for Hereditary cancer-predisposing syndrome. Last evaluated: 2026-05-15. Review status: criteria provided, single submitter. Criteria: Ambry Variant Classification Scheme 2023. Collection method: clinical testing. Allele origin: germline.
Comment: The p.S303C variant (also known as c.908C>G), located in coding exon 9 of the BRCA2 gene, results from a C to G substitution at nucleotide position 908. The serine at codon 303 is replaced by cysteine, an amino acid with dissimilar properties. This amino acid position is conserved. In addition, this alteration is predicted to be tolerated by in silico analysis. Based on the available evidence, the clinical significance of this variant remains unclear.

Labcorp Genetics (formerly Invitae), Labcorp
Classification: Uncertain significance for Hereditary breast ovarian cancer syndrome. Last evaluated: 2023-11-02. Review status: criteria provided, single submitter. Criteria: Invitae Variant Classification Sherloc (09022015). Collection method: clinical testing. Allele origin: germline.
Comment: This sequence change replaces serine, which is neutral and polar, with cysteine, which is neutral and slightly polar, at codon 303 of the BRCA2 protein (p.Ser303Cys). This variant is not present in population databases (gnomAD no frequency). This variant has not been reported in the literature in individuals affected with BRCA2-related conditions. Advanced modeling of protein sequence and biophysical properties (such as structural, functional, and spatial information, amino acid conservation, physicochemical variation, residue mobility, and thermodynamic stability) performed at Invitae indicates that this missense variant is not expected to disrupt BRCA2 protein function with a negative predictive value of 95%. In summary, the available evidence is currently insufficient to determine the role of this variant in disease. Therefore, it has been classified as a Variant of Uncertain Significance.